The following is an entry in ClinVar:

ClinVar aggregate classification (germline): Uncertain significance (1 of 4 stars; one submission).

gnomAD v4.1: 7 of 1,549,826 alleles (0.00045%); highest among the groups gnomAD compares: African/African-American, 0.0068%; no homozygotes.

Submission:

Women's Health and Genetics/Laboratory Corporation of America, LabCorp
Classification: Uncertain significance. Last evaluated: 2024-07-12. Review status: criteria provided, single submitter. Criteria: LabCorp Variant Classification Summary - May 2015. Collection method: clinical testing. Allele origin: germline.
Comment: Variant summary: SETD1B c.3284C>T (p.Ser1095Phe) results in a non-conservative amino acid change in the encoded protein sequence. Three of three in-silico tools predict a damaging effect of the variant on protein function. The variant was absent in 152888 control chromosomes. The available data on variant occurrences in the general population are insufficient to allow any conclusion about variant significance. To our knowledge, no occurrence of c.3284C>T in individuals affected with Intellectual Developmental Disorder With Seizures And Language Delay and no experimental evidence demonstrating its impact on protein function have been reported. No submitters have cited clinical-significance assessments for this variant to ClinVar. Based on the evidence outlined above, the variant was classified as uncertain significance.

NM_001353345.2(SETD1B):c.3284C>T (p.Ser1095Phe)

Gene: SETD1B (SET domain containing 1B, histone lysine methyltransferase; plus strand). Cytogenetic location: 12q24.31.
Variant type: single nucleotide variant.
Coding change: c.3284C>T on transcript NM_001353345.2 (MANE Select); coding-DNA position 3284, C replaced by T.
Protein change: p.Ser1095Phe; replaces serine 1095 with phenylalanine.
Molecular consequence: missense variant.
Genome position (GRCh38, 1-based): chr12:121,817,676, C>T. VCF-style: chr12-121817676-C-T. GRCh37 (hg19) VCF-style: chr12-122255582-C-T.
Other names: short protein forms S1095F.
Identifiers: ClinVar variation 3338926 (VCV003338926.1).